The following is an entry in ClinVar:

NM_032776.3(JMJD1C):c.6092C>T (p.Thr2031Ile)

Gene: JMJD1C (jumonji domain containing 1C; minus strand). Cytogenetic location: 10q21.3.
Variant type: single nucleotide variant.
Coding change: c.6092C>T on transcript NM_032776.3 (MANE Select); coding-DNA position 6092, C replaced by T.
Protein change: p.Thr2031Ile; replaces threonine 2031 with isoleucine.
Molecular consequence: missense variant. On other transcripts: non-coding transcript variant (1).
Genome position (GRCh38, 1-based): chr10:63,191,093, G>A on the plus strand (C>T on the coding strand, the complement: JMJD1C is on the minus strand). VCF-style: chr10-63191093-G-A. GRCh37 (hg19) VCF-style: chr10-64950853-G-A.
Other names: c.5546C>T, p.Thr1849Ile (NM_001282948.2, NM_001318154.2); c.5228C>T, p.Thr1743Ile (NM_001318153.2); c.5978C>T, p.Thr1993Ile (NM_001322252.2); c.5435C>T, p.Thr1812Ile (NM_001322254.2, NM_001322258.2); short protein forms T1743I, T1812I, T1849I, T1993I, T2031I.
Identifiers: ClinVar variation 3618425 (VCV003618425.2).

ClinVar aggregate classification (germline): Uncertain significance (1 of 4 stars; one submission).

Conditions:
Early Myoclonic Encephalopathy. Identifiers: MedGen C0270855.

gnomAD v4.1: 5 of 1,611,974 alleles (0.00031%); highest among the groups gnomAD compares: Admixed American, 0.0067%; no homozygotes.

Submission:

Labcorp Genetics (formerly Invitae), Labcorp
Classification: Uncertain significance for Early Myoclonic Encephalopathy. Last evaluated: 2025-02-11. Review status: criteria provided, single submitter. Criteria: Invitae Variant Classification Sherloc (09022015). Collection method: clinical testing. Allele origin: germline.
Comment: This sequence change replaces threonine, which is neutral and polar, with isoleucine, which is neutral and non-polar, at codon 2031 of the JMJD1C protein (p.Thr2031Ile). This variant is present in population databases (no rsID available, gnomAD 0.003%). This variant has not been reported in the literature in individuals affected with JMJD1C-related conditions. Invitae Evidence Modeling of protein sequence and biophysical properties (such as structural, functional, and spatial information, amino acid conservation, physicochemical variation, residue mobility, and thermodynamic stability) indicates that this missense variant is not expected to disrupt JMJD1C protein function with a negative predictive value of 80%. In summary, the available evidence is currently insufficient to determine the role of this variant in disease. Therefore, it has been classified as a Variant of Uncertain Significance.